The following is an entry in ClinVar:

ClinVar aggregate classification (germline): Uncertain significance (1 of 4 stars; one submission).

Submission:

Centre of Medical Genetics, University Hospital Muenster
Classification: Uncertain significance. Last evaluated: 2022-11-22. Review status: criteria provided, single submitter. Criteria: ACMG Guidelines, 2015. Collection method: clinical testing. Allele origin: unknown. Affected: yes. Observed: 1 variant allele, 1 heterozygote.
Comment: ACMG categories: PM1,PM2

NM_001206999.2(CIT):c.5279A>C (p.Asn1760Thr)

Gene: CIT (citron rho-interacting serine/threonine kinase; minus strand). Cytogenetic location: 12q24.23.
Variant type: single nucleotide variant.
Coding change: c.5279A>C on transcript NM_001206999.2 (MANE Select); coding-DNA position 5279, A replaced by C.
Protein change: p.Asn1760Thr; replaces asparagine 1760 with threonine.
Molecular consequence: missense variant.
Genome position (GRCh38, 1-based): chr12:119,704,388, T>G on the plus strand (A>C on the coding strand, the complement: CIT is on the minus strand). VCF-style: chr12-119704388-T-G. GRCh37 (hg19) VCF-style: chr12-120142193-T-G.
Other names: c.5153A>C, p.Asn1718Thr (NM_007174.3); short protein forms N1718T, N1760T.
Identifiers: ClinVar variation 2430356 (VCV002430356.2), dbSNP rs2500851231, ClinGen allele CA386529977.